The following is an entry in ClinVar:

ClinVar aggregate classification (germline): Pathogenic. Review status: reviewed by expert panel (3 of 4 stars). 4 submissions from 4 submitters: Pathogenic (1). 3 of the submissions do not count toward it. Last evaluated 2024-02-20.

Conditions:
RPE65-related recessive retinopathy. Also called: Recessive RPE65 retinopathy. Identifiers: MedGen CN305526, MONDO:0100368.
Leber congenital amaurosis (LCA). Also called: Leber's amaurosis. Identifiers: Orphanet 65, MedGen C0339527, MeSH D057130, MONDO:0018998.
Leber congenital amaurosis 2 (LCA2). Also called: Autosomal Recessive RPE65-Related Retinal Degeneration; AMAUROSIS CONGENITA OF LEBER II. Identifiers: Orphanet 65, MedGen C1859844, MONDO:0008765, OMIM 204100. Disease mechanism: loss of function.
Retinitis pigmentosa 20 (RP20). Identifiers: Orphanet 791, MedGen C3151086, MONDO:0013425, OMIM 613794.

Allele frequency attached by ClinVar (database versions not stated): gnomAD exomes 0.00001; gnomAD 0.00002 and 0.00003; TOPMed 0.00005.
gnomAD v4.1: 7 of 1,613,286 alleles (0.00043%); highest among the groups gnomAD compares: Admixed American, 0.012%; no homozygotes.

Submissions (4):

ClinGen Leber Congenital Amaurosis/early Onset Retinal Dystrophy Variant Curation Expert Panel, ClinGen
Classification: Pathogenic for RPE65-related recessive retinopathy. Last evaluated: 2024-02-20. Review status: reviewed by expert panel. Criteria: ClinGen LCAeoRD ACMG Specifications RPE65 V1.0.0. Collection method: curation. Allele origin: germline. Inheritance: Autosomal recessive inheritance.
Comment: NM_000329.3(RPE65):c.1338G>T is a missense variant that substitutes arginine with serine at position 446. The variant is found in multiple probands affected with early-onset severe retinal dystrophy. At least one patient genotyped by whole exome sequencing (2 pts) has a diagnosis of Leber congenital amaurosis (0.5 pts) with infantile onset (1 pt), reduced visual acuity (1 pt), nyctalopia (required, 0.5 pts), light gazing (1 pt), nystagmus (1 pt), RPE mottling (0.5 pt), attenuated retinal vessels (0.5 pt), and flat rod (0.5 pts) and cone (1 pt) ERG responses, which together are highly specific for RPE65-related recessive retinopathy (9.5 pts, PMID: 30870047, PP4_Moderate). At least 3 reported probands harbor the variant in the homozygous state, while an additional proband harbors this maternal variant in compound heterozygosity with a paternal c.361dup (p.Ser121Phefs*10 variant (previously classified pathogenic by the ClinGen LCA/eoRD VCEP)(PMID: 30870047, PM3_Strong). Three pairs of siblings have been reported (PMID: 30870047) harboring the variant in either the homozygous or compound heterozygous state (PP1). This variant has a Grpmax Filtering AF of 0.000009610 (2/34488, with no homozygotes) in the Latino/Admixed American population in gnomAD v2.1.1 which is lower than the ClinGen LCA/eoRD VCEP PM2_Supporting threshold of <0.0002. Although the meta-predictor REVEL gives a score of 0.571, which is below the ClinGen LCA/eoRD VCEP PP3 threshold of >0.7, the computational splicing predictor SpliceAI indicates that the variant triggers the loss of a splice donor site, with a change score of 0.45. The variant was confirmed to exhibit a complete splicing defect in two minigene assays relative to the wild-type control, showing skipping of the 95-bp exon 12, indicating that it triggers nonsense-mediated decay (PMID: 30996589, PMID: 28714225, PVS1). In summary, this variant meets the criteria to be classified as Pathogenic for RPE65-related recessive retinopathy based on the ACMG/AMP criteria applied, as specified by the ClinGen LCA/eoRD VCEP: PVS1, PM2_Supporting, PM3_Strong, PP1, PP4_Moderate. (VCEP specifications version 1.0.0; date of approval 09/21/2023)

Labcorp Genetics (formerly Invitae), Labcorp
Classification: Pathogenic for Leber congenital amaurosis 2; Retinitis pigmentosa 20. Last evaluated: 2024-11-05. Review status: criteria provided, single submitter. Criteria: Invitae Variant Classification Sherloc (09022015). Collection method: clinical testing. Allele origin: germline. Not counted in ClinVar's aggregate classification.
Comment: This sequence change replaces arginine, which is basic and polar, with serine, which is neutral and polar, at codon 446 of the RPE65 protein (p.Arg446Ser). This variant also falls at the last nucleotide of exon 12, which is part of the consensus splice site for this exon. This variant is present in population databases (no rsID available, gnomAD 0.009%). This missense change has been observed in individual(s) with Leber congenital amaurosis (PMID: 26047050, 28714225, 30870047). In at least one individual the data is consistent with being in trans (on the opposite chromosome) from a pathogenic variant. ClinVar contains an entry for this variant (Variation ID: 427864). An algorithm developed to predict the effect of missense changes on protein structure and function (PolyPhen-2) suggests that this variant is likely to be tolerated. Variants that disrupt the consensus splice site are a relatively common cause of aberrant splicing (PMID: 17576681, 9536098). For these reasons, this variant has been classified as Pathogenic.

Cytogenetics and Genomics Laboratory, Medical University of South Carolina
Classification: Likely pathogenic for Leber congenital amaurosis. Last evaluated: 2018-06-01. Review status: criteria provided, single submitter. Criteria: ACMG Guidelines, 2015. Collection method: research. Allele origin: inherited. Affected: yes. Observed: 19 variant alleles. Not counted in ClinVar's aggregate classification.

Rui Chen Lab, Baylor College of Medicine
Classification: Pathogenic for Leber congenital amaurosis. Last evaluated: 2017-05-09. Review status: no assertion criteria provided. Collection method: research. Allele origin: germline. Affected: yes. Not counted in ClinVar's aggregate classification.
Comment: An in vitrominigene system was used to confirm that the variant disrupts splicing

Literature cited by the submitters: PubMed 26047050 (cited by Labcorp Genetics (formerly Invitae), Labcorp); PubMed 28714225 (cited by Labcorp Genetics (formerly Invitae), Labcorp); PubMed 30870047 (cited by Labcorp Genetics (formerly Invitae), Labcorp); PubMed 17576681 (cited by Labcorp Genetics (formerly Invitae), Labcorp); PubMed 9536098 (cited by Labcorp Genetics (formerly Invitae), Labcorp).

NM_000329.3(RPE65):c.1338G>T (p.Arg446Ser)

Gene: RPE65 (retinoid isomerohydrolase RPE65; minus strand). Cytogenetic location: 1p31.3.
Variant type: single nucleotide variant.
Coding change: c.1338G>T on transcript NM_000329.3 (MANE Select); coding-DNA position 1338, G replaced by T.
Protein change: p.Arg446Ser; replaces arginine 446 with serine.
Molecular consequence: missense variant.
Genome position (GRCh38, 1-based): chr1:68,431,282, C>A on the plus strand (G>T on the coding strand, the complement: RPE65 is on the minus strand). VCF-style: chr1-68431282-C-A. GRCh37 (hg19) VCF-style: chr1-68896965-C-A.
Other names: NM_000329.3(RPE65):c.1338G>T; p.Arg446Ser; short protein forms R446S.
Identifiers: ClinVar variation 427864 (VCV000427864.10), dbSNP rs1420672586, ClinGen allele CA340742354.